The following is an entry in ClinVar:

NM_003995.4(NPR2):c.1219-3C>T

Gene: NPR2 (natriuretic peptide receptor 2; plus strand). Cytogenetic location: 9p13.3.
Variant type: single nucleotide variant.
Coding change: c.1219-3C>T on transcript NM_003995.4 (MANE Select); 3 bases into the intron before coding-DNA position 1219, C replaced by T.
Molecular consequence: intron variant.
Genome position (GRCh38, 1-based): chr9:35,800,706, C>T. VCF-style: chr9-35800706-C-T. GRCh37 (hg19) VCF-style: chr9-35800703-C-T.
Other names: c.1219-3C>T (NM_001378923.1).
Identifiers: ClinVar variation 2128917 (VCV002128917.4), dbSNP rs1162011392, ClinGen allele CA587769441.
Genomic context (GRCh38, chr9:35,800,706, plus strand): 5'-TGGGGTCTGGGGAGGAGGCTGGTGGGAGCAGGCCTGTGGGCCCAGCTTTTTGCTTCCTTA[C>T]AGCCTGCAGCCCACTACTCGGGAGCTGAGAAGCAGATTTGGTGGACGGGACGGCCTATTC-3'

ClinVar aggregate classification (germline): Uncertain significance (1 of 4 stars; one submission).

Conditions:
Tall stature-scoliosis-macrodactyly of the great toes syndrome. Also called: Epiphyseal chondrodysplasia, miura type. Identifiers: Orphanet 329191, MedGen C4014690, MONDO:0014401, OMIM 615923.
Acromesomelic dysplasia 1, Maroteaux type (AMD1). Also called: ACROMESOMELIC DYSPLASIA 1; ST. HELENA DYSPLASIA. Identifiers: Orphanet 40, MedGen C1864356, MONDO:0011275, OMIM 602875.

Allele frequency attached by ClinVar (database versions not stated): gnomAD exomes below 0.00001.
gnomAD v4.1: 2 of 1,614,186 alleles (0.00012%); highest among the groups gnomAD compares: South Asian, 0.0011%; no homozygotes.

Submission:

Labcorp Genetics (formerly Invitae), Labcorp
Classification: Uncertain significance for Tall stature-scoliosis-macrodactyly of the great toes syndrome; Acromesomelic dysplasia 1, Maroteaux type. Last evaluated: 2022-06-03. Review status: criteria provided, single submitter. Criteria: Invitae Variant Classification Sherloc (09022015). Collection method: clinical testing. Allele origin: germline.
Comment: This variant has not been reported in the literature in individuals affected with NPR2-related conditions. Variants that disrupt the consensus splice site are a relatively common cause of aberrant splicing (PMID: 17576681, 9536098). Algorithms developed to predict the effect of sequence changes on RNA splicing suggest that this variant may disrupt the consensus splice site. In summary, the available evidence is currently insufficient to determine the role of this variant in disease. Therefore, it has been classified as a Variant of Uncertain Significance. This variant is present in population databases (no rsID available, gnomAD 0.003%). This sequence change falls in intron 5 of the NPR2 gene. It does not directly change the encoded amino acid sequence of the NPR2 protein. It affects a nucleotide within the consensus splice site.

Literature cited by the submitters: PubMed 17576681; PubMed 9536098.